The following is an entry in ClinVar:

NM_014491.4(FOXP2):c.525G>A (p.Gln175=)

Gene: FOXP2 (forkhead box P2; plus strand). Cytogenetic location: 7q31.1.
Variant type: single nucleotide variant.
Coding change: c.525G>A on transcript NM_014491.4 (MANE Select); coding-DNA position 525, G replaced by A.
Protein change: p.Gln175=; no amino-acid change (glutamine 175 retained).
Molecular consequence: synonymous variant. On other transcripts: non-coding transcript variant (2).
Genome position (GRCh38, 1-based): chr7:114,629,933, G>A. VCF-style: chr7-114629933-G-A. GRCh37 (hg19) VCF-style: chr7-114269988-G-A.
Other names: c.525G>A, p.Gln175= (NM_001172766.3, NM_148899.3); c.600G>A, p.Gln200= (NM_001172767.2, NM_148898.4); c.-825G>A (NM_001172777.1); c.576G>A, p.Gln192= (NM_148900.4).
Identifiers: ClinVar variation 1746425 (VCV001746425.15), dbSNP rs778496902, ClinGen allele CA4445837.

ClinVar aggregate classification (germline): Likely benign. Review status: criteria provided, multiple submitters, no conflicts (2 of 4 stars). 2 submissions from 2 submitters: Likely benign (2). Last evaluated 2026-02-01.

Conditions:
Inborn genetic diseases. Identifiers: MedGen C0950123, MeSH D030342.

Allele frequency attached by ClinVar (database versions not stated): gnomAD 0.00007; gnomAD exomes 0.00007; ExAC 0.00008.
gnomAD v4.1: 116 of 1,611,314 alleles (0.0072%); highest among the groups gnomAD compares: South Asian, 0.016%; 1 homozygote.

Submissions (2):

CeGaT Center for Human Genetics Tuebingen
Classification: Likely benign. Last evaluated: 2026-02-01. Review status: criteria provided, single submitter. Criteria: CeGaT Center For Human Genetics Tuebingen Variant Classification Criteria Version 2. Collection method: clinical testing. Allele origin: germline. Affected: yes. Observed: 4 variant alleles.
Comment: FOXP2: BP4, BP7

Ambry Genetics
Classification: Likely benign for Inborn genetic diseases. Last evaluated: 2019-11-20. Review status: criteria provided, single submitter. Criteria: Ambry Variant Classification Scheme 2023. Collection method: clinical testing. Allele origin: germline.